The following is an entry in ClinVar:

NM_000497.4(CYP11B1):c.907del (p.Ala303fs)

Genes: CYP11B1 (cytochrome P450 family 11 subfamily B member 1; minus strand), LOC106799833 (CYP11B1 recombination region; plus strand). Cytogenetic location: 8q24.3.
Variant type: Deletion.
Coding change: c.907del on transcript NM_000497.4 (MANE Select); coding-DNA position 907, one base deleted (G; older notation c.907delG).
Protein change: p.Ala303fs; shifts the reading frame from alanine 303.
Molecular consequence: frameshift variant.
Genome position (GRCh38, 1-based): chr8:142,876,288, C deleted on the plus strand (G on the coding strand, the reverse complement: CYP11B1 is on the minus strand). VCF-style (leftmost placement, unchanged base first): chr8-142876287-GC-G. GRCh37 (hg19) VCF-style: chr8-143957703-GC-G.
Other names: c.907del, p.Ala303fs (NM_001026213.1); short protein forms A303fs.
Identifiers: ClinVar variation 1454795 (VCV001454795.9), dbSNP rs769310764, ClinGen allele CA4905258.

ClinVar aggregate classification (germline): Pathogenic/Likely pathogenic. Review status: criteria provided, multiple submitters, no conflicts (2 of 4 stars). 3 submissions from 3 submitters: Pathogenic (1); Likely pathogenic (2). Last evaluated 2023-08-04.

Conditions:
Deficiency of steroid 11-beta-monooxygenase (CYP11B1). Also called: Congenital adrenal hyperplasia due to 11-beta-hydroxylase deficiency; ADRENAL HYPERPLASIA, CONGENITAL, DUE TO STEROID 11-BETA-HYDROXYLASE DEFICIENCY; 11-BETA-HYDROXYLASE DEFICIENCY; ADRENAL HYPERPLASIA IV; P450C11B1 DEFICIENCY; STEROID 11-BETA-HYDROXYLASE DEFICIENCY. Identifiers: Orphanet 90795, MedGen C0268292, MONDO:0008729, OMIM 202010. Disease mechanism: loss of function.
Glucocorticoid-remediable aldosteronism. Also called: Hyperaldosteronism, familial, type I; ACTH-DEPENDENT HYPERALDOSTERONISM SYNDROME; ALDOSTERONISM, SENSITIVE TO DEXAMETHASONE; FH I; GLUCOCORTICOID-SUPPRESSIBLE HYPERALDOSTERONISM. Identifiers: Orphanet 403, MedGen C3838731, MONDO:0007080, OMIM 103900.

Allele frequency attached by ClinVar (database versions not stated): gnomAD exomes below 0.00001; ExAC 0.00001.

Submissions (3):

Baylor Genetics
Classification: Likely pathogenic for Deficiency of steroid 11-beta-monooxygenase. Last evaluated: 2023-08-04. Review status: criteria provided, single submitter. Criteria: ACMG Guidelines, 2015. Collection method: clinical testing. Allele origin: unknown.

Labcorp Genetics (formerly Invitae), Labcorp
Classification: Pathogenic. Last evaluated: 2021-08-05. Review status: criteria provided, single submitter. Criteria: Invitae Variant Classification Sherloc (09022015). Collection method: clinical testing. Allele origin: germline.
Comment: This sequence change creates a premature translational stop signal (p.Ala303Profs*22) in the CYP11B1 gene. It is expected to result in an absent or disrupted protein product. Loss-of-function variants in CYP11B1 are known to be pathogenic (PMID: 8506298, 26476331). This variant is present in population databases (rs769310764, ExAC 0.01%). This variant has not been reported in the literature in individuals affected with CYP11B1-related conditions. For these reasons, this variant has been classified as Pathogenic.

Juno Genomics, Hangzhou Juno Genomics, Inc
Classification: Likely pathogenic for Deficiency of steroid 11-beta-monooxygenase; Glucocorticoid-remediable aldosteronism. Review status: criteria provided, single submitter. Criteria: ACMG Guidelines, 2015. Collection method: clinical testing. Allele origin: germline.
Comment: Null variant in a gene where loss of function (LOF) is a known mechanism of disease.;Absent from controls (or at extremely low frequency if recessive) in Genome Aggregation Database.

Literature cited by the submitters: PubMed 8506298 (cited by Labcorp Genetics (formerly Invitae), Labcorp); PubMed 26476331 (cited by Labcorp Genetics (formerly Invitae), Labcorp).